The following is an entry in ClinVar:

ClinVar aggregate classification (germline): Likely pathogenic (1 of 4 stars; one submission).

Conditions:
Tricho-dento-osseous syndrome (TDO). Also called: TDO SYNDROME. Identifiers: Orphanet 3352, MedGen C0265333, MONDO:0008592, OMIM 190320.

Submission:

Lupski Lab, Baylor-Hopkins CMG, Baylor College of Medicine
Classification: Likely pathogenic for Tricho-dento-osseous syndrome. Last evaluated: 2026-05-11. Review status: criteria provided, single submitter. Criteria: ACMG Guidelines, 2015. Collection method: research. Allele origin: de novo. Inheritance: Autosomal dominant inheritance. Affected: yes. Observed: 1 variant allele, 1 heterozygote.
Comment: The father was not available for sequencing. This same variant has been previously described in Nieminen et al (PMID 21252474), where it was observed in heterozygous state in an additional, unrelated proband (PP1_supporting =1pt). This variant has a REVEL score of 0.802 (PP3_Moderate =2pts)(PMID 36413997). The variant lies within the UniProt protein DLX3_HUMAN DNA-binding domain 'Homeobox’, which has 19 missense/in-frame variants (5 pathogenic variants, 13 uncertain variants, and 1 benign variant), which qualifies as supporting pathogenic (Varsome, PM1_moderate =2pts). The p.Ser182Phe variant is absent in gnomAD v4 (PM2_Supporting =1pt). 6 pts (PM1 +2, PM2 +1, PP1 +1, PP3 +2)

Literature cited by the submitters: PubMed 21252474; PubMed 36413997.

NM_005220.3(DLX3):c.545C>T (p.Ser182Phe)

Gene: DLX3 (distal-less homeobox 3; minus strand). Cytogenetic location: 17q21.33.
Variant type: single nucleotide variant.
Coding change: c.545C>T on transcript NM_005220.3 (MANE Select); coding-DNA position 545, C replaced by T.
Protein change: p.Ser182Phe; replaces serine 182 with phenylalanine.
Molecular consequence: missense variant.
Genome position (GRCh38, 1-based): chr17:49,991,836, G>A on the plus strand (C>T on the coding strand, the complement: DLX3 is on the minus strand). VCF-style: chr17-49991836-G-A. GRCh37 (hg19) VCF-style: chr17-48069200-G-A.
Other names: short protein forms S182F.
Identifiers: ClinVar variation 4974477 (VCV004974477.1).